The following is an entry in ClinVar:

NM_004329.3(BMPR1A):c.270C>G (p.Asp90Glu)

Gene: BMPR1A (bone morphogenetic protein receptor type 1A; plus strand). Cytogenetic location: 10q23.2.
Variant type: single nucleotide variant.
Coding change: c.270C>G on transcript NM_004329.3 (MANE Select); coding-DNA position 270, C replaced by G.
Protein change: p.Asp90Glu; replaces aspartic acid 90 with glutamic acid.
Molecular consequence: missense variant.
Genome position (GRCh38, 1-based): chr10:86,892,166, C>G. VCF-style: chr10-86892166-C-G. GRCh37 (hg19) VCF-style: chr10-88651923-C-G.
Other names: c.270C>G, p.Asp90Glu (NM_001406559.1, NM_001406560.1, NM_001406561.1 and 23 more transcripts); c.186C>G, p.Asp62Glu (NM_001406584.1, NM_001406585.1, NM_001406586.1 and 2 more transcripts); short protein forms D62E, D90E.
Identifiers: ClinVar variation 1795039 (VCV001795039.5), dbSNP rs1589764301, ClinGen allele CA377448077.
Genomic context (GRCh38, chr10:86,892,166, plus strand): 5'-TTTTGTTTTTTTCTGTTTTAGAACTAATGGACATTGCTTTGCCATCATAGAAGAAGATGA[C>G]CAGGGAGAAACCACATTAGCTTCAGGGTGTATGAAATATGAAGGATCTGATTTTCAGTGC-3'
Protein context (NP_004320.2, residues 80-100): GHCFAIIEED[Asp90Glu]QGETTLASGC

ClinVar aggregate classification (germline): Uncertain significance. Review status: criteria provided, multiple submitters, no conflicts (2 of 4 stars). 2 submissions from 2 submitters: Uncertain significance (2). Last evaluated 2025-07-02.

Conditions:
Juvenile polyposis syndrome (JPS). Identifiers: Orphanet 2929, MedGen C0345893, MONDO:0017380, OMIM 174900.
Hereditary cancer-predisposing syndrome. Also called: Neoplastic Syndromes, Hereditary; Tumor predisposition; Hereditary neoplastic syndrome; Hereditary Cancer Syndrome. Identifiers: Orphanet 140162, MedGen C0027672, MeSH D009386, MONDO:0015356.

Submissions (2):

Labcorp Genetics (formerly Invitae), Labcorp
Classification: Uncertain significance for Juvenile polyposis syndrome. Last evaluated: 2025-07-02. Review status: criteria provided, single submitter. Criteria: Invitae Variant Classification Sherloc (09022015). Collection method: clinical testing. Allele origin: germline.
Comment: This sequence change replaces aspartic acid, which is acidic and polar, with glutamic acid, which is acidic and polar, at codon 90 of the BMPR1A protein (p.Asp90Glu). This variant is not present in population databases (gnomAD no frequency). This variant has not been reported in the literature in individuals affected with BMPR1A-related conditions. ClinVar contains an entry for this variant (Variation ID: 1795039). Invitae Evidence Modeling of protein sequence and biophysical properties (such as structural, functional, and spatial information, amino acid conservation, physicochemical variation, residue mobility, and thermodynamic stability) indicates that this missense variant is not expected to disrupt BMPR1A protein function with a negative predictive value of 80%. In summary, the available evidence is currently insufficient to determine the role of this variant in disease. Therefore, it has been classified as a Variant of Uncertain Significance.

Ambry Genetics
Classification: Uncertain significance for Hereditary cancer-predisposing syndrome. Last evaluated: 2023-10-03. Review status: criteria provided, single submitter. Criteria: Ambry Variant Classification Scheme 2023. Collection method: clinical testing. Allele origin: germline.
Comment: The p.D90E variant (also known as c.270C>G), located in coding exon 3 of the BMPR1A gene, results from a C to G substitution at nucleotide position 270. The aspartic acid at codon 90 is replaced by glutamic acid, an amino acid with highly similar properties. This amino acid position is not well conserved in available vertebrate species. In addition, this alteration is predicted to be tolerated by in silico analysis. Since supporting evidence is limited at this time, the clinical significance of this alteration remains unclear.